The following is an entry in ClinVar:

NM_000038.6(APC):c.7897G>A (p.Gly2633Ser)

Gene: APC (APC regulator of Wnt signaling pathway; plus strand). Cytogenetic location: 5q22.2.
Variant type: single nucleotide variant.
Coding change: c.7897G>A on transcript NM_000038.6 (MANE Select); coding-DNA position 7897, G replaced by A.
Protein change: p.Gly2633Ser; replaces glycine 2633 with serine.
Molecular consequence: missense variant. On other transcripts: non-coding transcript variant (2).
Genome position (GRCh38, 1-based): chr5:112,843,491, G>A. VCF-style: chr5-112843491-G-A. GRCh37 (hg19) VCF-style: chr5-112179188-G-A.
Other names: c.7897G>A, p.Gly2633Ser (NM_001127510.3, NM_001354895.2, NM_001407450.1); c.7843G>A, p.Gly2615Ser (NM_001127511.3); c.7951G>A, p.Gly2651Ser (NM_001354896.2, NM_001407447.1, NM_001407448.1 and 1 more transcripts); c.7927G>A, p.Gly2643Ser (NM_001354897.2); c.7822G>A, p.Gly2608Ser (NM_001354898.2); c.7813G>A, p.Gly2605Ser (NM_001354899.2); c.7774G>A, p.Gly2592Ser (NM_001354900.2); c.7720G>A, p.Gly2574Ser (NM_001354901.2, NM_001407453.1); and 11 more; short protein forms G2249S, G2350S, G2473S, G2504S, G2507S, G2532S, G2542S, G2550S.
Identifiers: ClinVar variation 2446664 (VCV002446664.2), dbSNP rs1561619176, ClinGen allele CA16038483.

ClinVar aggregate classification (germline): Uncertain significance. Review status: criteria provided, multiple submitters, no conflicts (2 of 4 stars). 2 submissions from 2 submitters: Uncertain significance (2). Last evaluated 2025-07-28.

Conditions:
APC-related disorder. Also called: APC-related condition.

Submissions (2):

PreventionGenetics, part of Exact Sciences
Classification: Uncertain significance for APC-related condition. Last evaluated: 2025-07-28. Review status: criteria provided, single submitter. Criteria: ACMG Guidelines, 2015. Collection method: clinical testing. Allele origin: germline.
Comment: The APC c.7897G>A variant is predicted to result in the amino acid substitution p.Gly2633Ser. To our knowledge, this variant has not been reported in the literature or in a large population database (gnomAD), indicating this variant is rare. This variant is interpreted as variant of uncertain significance in ClinVar (Variation ID: 2446664). At this time, the clinical significance of this variant is uncertain due to the absence of conclusive functional and genetic evidence.

GeneDx
Classification: Uncertain significance. Last evaluated: 2022-09-30. Review status: criteria provided, single submitter. Criteria: GeneDx Variant Classification Process June 2021. Collection method: clinical testing. Allele origin: germline. Affected: yes.
Comment: Not observed at significant frequency in large population cohorts (gnomAD); In silico analysis supports that this missense variant does not alter protein structure/function; Has not been previously published as pathogenic or benign to our knowledge; This variant is associated with the following publications: (PMID: 18199528)